The following is an entry in ClinVar:

NM_016333.4(SRRM2):c.2814T>G (p.Pro938=)

Gene: SRRM2 (serine/arginine repetitive matrix 2; plus strand). Cytogenetic location: 16p13.3.
Variant type: single nucleotide variant.
Coding change: c.2814T>G on transcript NM_016333.4 (MANE Select); coding-DNA position 2814, T replaced by G.
Protein change: p.Pro938=; no amino-acid change (proline 938 retained).
Molecular consequence: synonymous variant.
Genome position (GRCh38, 1-based): chr16:2,763,342, T>G. VCF-style: chr16-2763342-T-G. GRCh37 (hg19) VCF-style: chr16-2813343-T-G.
Identifiers: ClinVar variation 3026455 (VCV003026455.22), dbSNP rs747578054, ClinGen allele CA7847732.

ClinVar aggregate classification (germline): Likely benign (1 of 4 stars; one submission).

Allele frequency attached by ClinVar (database versions not stated): gnomAD exomes 0.00002; TOPMed 0.00003; ExAC 0.00001; gnomAD 0.00001.
gnomAD v4.1: 25 of 1,614,020 alleles (0.0015%); highest among the groups gnomAD compares: Non-Finnish European, 0.002%; no homozygotes.

Submission:

CeGaT Center for Human Genetics Tuebingen
Classification: Likely benign. Last evaluated: 2024-02-01. Review status: criteria provided, single submitter. Criteria: CeGaT Center For Human Genetics Tuebingen Variant Classification Criteria Version 2. Collection method: clinical testing. Allele origin: germline. Affected: yes. Observed: 1 variant allele.
Comment: SRRM2: BP4